The following is an entry in ClinVar:

NM_000747.3(CHRNB1):c.*281T>C

Gene: CHRNB1 (cholinergic receptor nicotinic beta 1 subunit; plus strand). Cytogenetic location: 17p13.1.
Variant type: single nucleotide variant.
Coding change: c.*281T>C on transcript NM_000747.3 (MANE Select); 281 bases downstream of the stop codon, T replaced by C.
Molecular consequence: 3 prime UTR variant.
Genome position (GRCh38, 1-based): chr17:7,457,004, T>C. VCF-style: chr17-7457004-T-C. GRCh37 (hg19) VCF-style: chr17-7360323-T-C.
Identifiers: ClinVar variation 325112 (VCV000325112.8), dbSNP rs3855924, ClinGen allele CA10650057.

ClinVar aggregate classification (germline): Benign. Review status: criteria provided, multiple submitters, no conflicts (2 of 4 stars). 3 submissions from 3 submitters: Benign (3). Last evaluated 2018-06-28.

Conditions:
Congenital myasthenic syndrome 4C (CMS4C). Also called: Myasthenic syndrome, congenital, associated with acetylcholine receptor deficiency. Identifiers: Orphanet 590, MedGen C1837091, MONDO:0012157, OMIM 608931.

Allele frequency attached by ClinVar (database versions not stated): TOPMed 0.15680; gnomAD 0.16205 and 0.16358; gnomAD exomes 0.16673; 1000 Genomes Project 30x 0.17958; 1000 Genomes Project 0.18191.
gnomAD v4.1: 75,265 of 455,056 alleles (17%); highest among the groups gnomAD compares: South Asian, 21%; 6,688 homozygotes.

Submissions (3):

GeneDx
Classification: Benign. Last evaluated: 2018-06-28. Review status: criteria provided, single submitter. Criteria: GeneDx Variant Classification Process June 2021. Collection method: clinical testing. Allele origin: germline. Affected: yes.

Illumina Laboratory Services, Illumina
Classification: Benign for Congenital myasthenic syndrome 4C. Last evaluated: 2018-01-12. Review status: criteria provided, single submitter. Criteria: ICSL Variant Classification Criteria 13 December 2019. Collection method: clinical testing. Allele origin: germline.
Comment: This variant was observed in the ICSL laboratory as part of a predisposition screen in an ostensibly healthy population. It had not been previously curated by ICSL or reported in the Human Gene Mutation Database (HGMD: prior to June 1st, 2018), and was therefore a candidate for classification through an automated scoring system. Utilizing variant allele frequency, disease prevalence and penetrance estimates, and inheritance mode, an automated score was calculated to assess if this variant is too frequent to cause the disease. Based on the score and internal cut-off values, a variant classified as benign is not then subjected to further curation. The score for this variant resulted in a classification of benign for this disease.

Breakthrough Genomics
Classification: Benign. Review status: criteria provided, single submitter. Criteria: ACMG Guidelines, 2015. Collection method: not provided. Allele origin: germline. Inheritance: Autosomal recessive inheritance. Affected: yes.